The following is an entry in ClinVar:

ClinVar aggregate classification (germline): Conflicting classifications of pathogenicity. Review status: criteria provided, conflicting classifications (1 of 4 stars). 4 submissions from 4 submitters: Uncertain significance (3); Likely benign (1). Last evaluated 2025-05-19.

Conditions:
Hereditary cancer-predisposing syndrome. Also called: Hereditary neoplastic syndrome; Tumor predisposition; Neoplastic Syndromes, Hereditary; Hereditary Cancer Syndrome. Identifiers: Orphanet 140162, MedGen C0027672, MeSH D009386, MONDO:0015356.
Hereditary breast ovarian cancer syndrome. Also called: Hereditary breast and ovarian cancer; Hereditary breast and/or ovarian cancer syndrome; Hereditary breast and ovarian cancer syndrome; Hereditary breast and ovarian cancer syndrome (HBOC); Breast and ovarian cancer; BRCA1- and BRCA2-Associated Hereditary Breast and Ovarian Cancer. Identifiers: Orphanet 145, MedGen C0677776, MeSH D061325, MONDO:0003582. Disease mechanism: loss of function.

Submissions (4):

Labcorp Genetics (formerly Invitae), Labcorp
Classification: Uncertain significance for Hereditary breast ovarian cancer syndrome. Last evaluated: 2025-05-19. Review status: criteria provided, single submitter. Criteria: Invitae Variant Classification Sherloc (09022015). Collection method: clinical testing. Allele origin: germline.
Comment: This sequence change replaces aspartic acid, which is acidic and polar, with glycine, which is neutral and non-polar, at codon 1054 of the BRCA2 protein (p.Asp1054Gly). This variant is not present in population databases (gnomAD no frequency). This variant has not been reported in the literature in individuals affected with BRCA2-related conditions. ClinVar contains an entry for this variant (Variation ID: 419074). Invitae Evidence Modeling of protein sequence and biophysical properties (such as structural, functional, and spatial information, amino acid conservation, physicochemical variation, residue mobility, and thermodynamic stability) indicates that this missense variant is not expected to disrupt BRCA2 protein function with a negative predictive value of 95%. In summary, the available evidence is currently insufficient to determine the role of this variant in disease. Therefore, it has been classified as a Variant of Uncertain Significance.

University of Washington Department of Laboratory Medicine, University of Washington
Classification: Likely benign for Hereditary cancer-predisposing syndrome. Last evaluated: 2023-03-23. Review status: criteria provided, single submitter. Criteria: Dines et al. (Genet Med. 2020). Collection method: curation. Allele origin: germline.
Comment: Missense variant in a coldspot region where missense variants are very unlikely to be pathogenic (PMID:31911673).

BRCA2 exon 11 coldspot. Reclassification based on statistical prior probability.

Ambry Genetics
Classification: Uncertain significance for Hereditary cancer-predisposing syndrome. Last evaluated: 2021-10-25. Review status: criteria provided, single submitter. Criteria: Ambry Variant Classification Scheme 2023. Collection method: clinical testing. Allele origin: germline.
Comment: The p.D1054G variant (also known as c.3161A>G), located in coding exon 10 of the BRCA2 gene, results from an A to G substitution at nucleotide position 3161. The aspartic acid at codon 1054 is replaced by glycine, an amino acid with similar properties. This amino acid position is not well conserved in available vertebrate species. In addition, this alteration is predicted to be tolerated by in silico analysis. Since supporting evidence is limited at this time, the clinical significance of this alteration remains unclear.

GeneDx
Classification: Uncertain significance. Last evaluated: 2015-05-19. Review status: criteria provided, single submitter. Criteria: GeneDx Variant Classification (06012015). Collection method: clinical testing. Allele origin: germline. Affected: yes.
Comment: This variant is denoted BRCA2 c.3161A>G at the cDNA level, p.Asp1054Gly (D1054G) at the protein level, and results in the change of an Aspartic Acid to a Glycine (GAT>GGT). Using alternate nomenclature, this variant would be defined as BRCA2 3389A>G. This variant has not, to our knowledge, been published in the literature as pathogenic or benign. BRCA2 Asp1054Gly was not observed in approximately 6,500 individuals of European and African American ancestry in the NHLBI Exome Sequencing Project, indicating it is not a common benign variant in these populations. Since Aspartic Acid and Glycine differ in polarity, charge, size or other properties, this is considered a non-conservative amino acid substitution. BRCA2 Asp1054Gly occurs at a position not conserved across species and is not located in a known functional domain. While protein-based in silico analyses predict that this variant is unlikely to alter protein structure or function, multiple splicing models predict that this variant may create a cryptic splice donor site and might lead to abnormal splicing. However, in the absence of RNA or functional studies, the actual effect of this variant is unknown. Based on currently available information, it is unclear whether BRCA2 Asp1054Gly is pathogenic or benign. We consider it to be a variant of uncertain significance.

NM_000059.4(BRCA2):c.3161A>G (p.Asp1054Gly)

Gene: BRCA2 (BRCA2 DNA repair associated; plus strand). Cytogenetic location: 13q13.1.
Variant type: single nucleotide variant.
Coding change: c.3161A>G on transcript NM_000059.4 (MANE Select); coding-DNA position 3161, A replaced by G.
Protein change: p.Asp1054Gly; replaces aspartic acid 1054 with glycine.
Molecular consequence: missense variant.
Genome position (GRCh38, 1-based): chr13:32,337,516, A>G. VCF-style: chr13-32337516-A-G. GRCh37 (hg19) VCF-style: chr13-32911653-A-G.
Other names: short protein forms D1054G.
Identifiers: ClinVar variation 419074 (VCV000419074.13), dbSNP rs1064793624, ClinGen allele CA16619687.